The following is an entry in ClinVar:

NM_004629.2(FANCG):c.391C>T (p.Leu131Phe)

Gene: FANCG (FA complementation group G; minus strand). Cytogenetic location: 9p13.3.
Variant type: single nucleotide variant.
Coding change: c.391C>T on transcript NM_004629.2 (MANE Select); coding-DNA position 391, C replaced by T.
Protein change: p.Leu131Phe; replaces leucine 131 with phenylalanine.
Molecular consequence: missense variant.
Genome position (GRCh38, 1-based): chr9:35,078,260, G>A on the plus strand (C>T on the coding strand, the complement: FANCG is on the minus strand). VCF-style: chr9-35078260-G-A. GRCh37 (hg19) VCF-style: chr9-35078257-G-A.
Other names: short protein forms L131F.
Identifiers: ClinVar variation 4022561 (VCV004022561.1).

ClinVar aggregate classification (germline): Uncertain significance (1 of 4 stars; one submission).

Conditions:
Inborn genetic diseases. Identifiers: MedGen C0950123, MeSH D030342.

Submission:

Ambry Genetics
Classification: Uncertain significance for Inborn genetic diseases. Last evaluated: 2025-06-13. Review status: criteria provided, single submitter. Criteria: Ambry Variant Classification Scheme 2023. Collection method: clinical testing. Allele origin: germline.
Comment: The p.L131F variant (also known as c.391C>T), located in coding exon 4 of the FANCG gene, results from a C to T substitution at nucleotide position 391. The leucine at codon 131 is replaced by phenylalanine, an amino acid with highly similar properties. This amino acid position is conserved. In addition, this alteration is predicted to be tolerated by in silico analysis. Based on the available evidence, the clinical significance of this variant remains unclear.